The following is an entry in ClinVar:

NM_003072.5(SMARCA4):c.4513G>A (p.Val1505Met)

Gene: SMARCA4 (SWI/SNF related BAF chromatin remodeling complex subunit ATPase 4; plus strand). Cytogenetic location: 19p13.2.
Variant type: single nucleotide variant.
Coding change: c.4513G>A on transcript NM_003072.5 (MANE Select); coding-DNA position 4513, G replaced by A.
Protein change: p.Val1505Met; replaces valine 1505 with methionine.
Molecular consequence: missense variant. On other transcripts: non-coding transcript variant (1).
Genome position (GRCh38, 1-based): chr19:11,058,343, G>A. VCF-style: chr19-11058343-G-A. GRCh37 (hg19) VCF-style: chr19-11169019-G-A.
Other names: c.4513G>A, p.Val1505Met (NM_001128844.3); c.4423G>A, p.Val1475Met (NM_001128845.2); c.4420G>A, p.Val1474Met (NM_001128846.2); c.4414G>A, p.Val1472Met (NM_001128847.4, NM_001374457.1); c.4411G>A, p.Val1471Met (NM_001128848.2); c.4609G>A, p.Val1537Met (NM_001128849.3, NM_001387283.1); short protein forms V1537M, V1505M, V1472M, V1471M, V1474M, V1475M.
Identifiers: ClinVar variation 408651 (VCV000408651.20), dbSNP rs372893370, ClinGen allele CA9204762.

ClinVar aggregate classification (germline): Conflicting classifications of pathogenicity. Review status: criteria provided, conflicting classifications (1 of 4 stars). 8 submissions from 8 submitters: Uncertain significance (6); Likely benign (2). Last evaluated 2026-07-08.

Conditions:
SMARCA4-related disorder. Also called: SMARCA4-related condition.
Intellectual disability, autosomal dominant 16 (CSS4). Also called: COFFIN-SIRIS SYNDROME 4. Identifiers: Orphanet 1465, MedGen C3553249, MONDO:0013821, OMIM 614609.
Hereditary cancer-predisposing syndrome. Also called: Hereditary Cancer Syndrome; Hereditary neoplastic syndrome; Neoplastic Syndromes, Hereditary; Tumor predisposition. Identifiers: Orphanet 140162, MedGen C0027672, MeSH D009386, MONDO:0015356.
Rhabdoid tumor predisposition syndrome 2 (RTPS2). Identifiers: Orphanet 231108, Orphanet 69077, MedGen C2750074, MONDO:0013224, OMIM 613325.

Allele frequency attached by ClinVar (database versions not stated): TOPMed 0.00001; ExAC 0.00005; gnomAD 0.00002; gnomAD exomes 0.00004; ESP Exome Variant Server 0.00008.
gnomAD v4.1: 55 of 1,611,958 alleles (0.0034%); highest among the groups gnomAD compares: Non-Finnish European, 0.0043%; no homozygotes.

Submissions (8):

Myriad Genetics, Inc.
Classification: Likely benign for Rhabdoid tumor predisposition syndrome 2. Last evaluated: 2026-07-08. Review status: criteria provided, single submitter. Criteria: Myriad Autosomal Dominant, Autosomal Recessive and X-Linked Classification Criteria (2023). Collection method: clinical testing. Allele origin: unknown.
Comment: This variant is considered likely benign. This variant has been observed at a population frequency that is significantly greater than expected given the associated disease prevalence and penetrance.

Labcorp Genetics (formerly Invitae), Labcorp
Classification: Uncertain significance for Rhabdoid tumor predisposition syndrome 2. Last evaluated: 2026-01-27. Review status: criteria provided, single submitter. Criteria: Invitae Variant Classification Sherloc (09022015). Collection method: clinical testing. Allele origin: germline.
Comment: This sequence change replaces valine, which is neutral and non-polar, with methionine, which is neutral and non-polar, at codon 1537 of the SMARCA4 protein (p.Val1537Met). This variant is present in population databases (rs372893370, gnomAD 0.006%). This missense change has been observed in individual(s) with colorectal cancer (PMID: 26901136). This variant is also known as V1471M. ClinVar contains an entry for this variant (Variation ID: 408651). Invitae Evidence Modeling of protein sequence and biophysical properties (such as structural, functional, and spatial information, amino acid conservation, physicochemical variation, residue mobility, and thermodynamic stability) indicates that this missense variant is not expected to disrupt SMARCA4 protein function with a negative predictive value of 95%. In summary, the available evidence is currently insufficient to determine the role of this variant in disease. Therefore, it has been classified as a Variant of Uncertain Significance.

PreventionGenetics, part of Exact Sciences
Classification: Uncertain significance for SMARCA4-related condition. Last evaluated: 2025-11-12. Review status: criteria provided, single submitter. Criteria: ACMG Guidelines, 2015. Collection method: clinical testing. Allele origin: germline.
Comment: The SMARCA4 c.4609G>A variant is predicted to result in the amino acid substitution p.Val1537Met. This variant was reported in an individual with colorectal cancer (de Voer et al. 2016. PubMed ID: 26901136). This variant is reported in 0.0070% of alleles in individuals of European (Non-Finnish) descent in gnomAD. This variant has conflicting interpretations in ClinVar ranging from uncertain to likely benign (Variation ID: 408651). At this time, the clinical significance of this variant is uncertain due to the absence of conclusive functional and genetic evidence.

Quest Diagnostics Nichols Institute San Juan Capistrano
Classification: Uncertain significance. Last evaluated: 2023-11-03. Review status: criteria provided, single submitter. Criteria: Quest Diagnostics criteria. Collection method: clinical testing. Allele origin: unknown.
Comment: The SMARCA4 c.4609G>A (p.Val1537Met) variant has been reported in the published literature in individual(s) with colorectal cancer (PMID: 26901136 (2016)). The frequency of this variant in the general population, 0.00011 (3/26116 chromosomes in Swedish subpopulation (Genome Aggregation Database)), is higher than would generally be expected for pathogenic variants in this gene. Analysis of this variant using bioinformatics tools for the prediction of the effect of amino acid changes on protein structure and function yielded predictions that this variant is benign. Based on the available information, we are unable to determine the clinical significance of this variant.

Baylor Genetics
Classification: Uncertain significance for Rhabdoid tumor predisposition syndrome 2. Last evaluated: 2023-07-18. Review status: criteria provided, single submitter. Criteria: ACMG Guidelines, 2015. Collection method: clinical testing. Allele origin: unknown.

Ambry Genetics
Classification: Likely benign for Hereditary cancer-predisposing syndrome. Last evaluated: 2022-01-05. Review status: criteria provided, single submitter. Criteria: Ambry Variant Classification Scheme 2023. Collection method: clinical testing. Allele origin: germline.

Sema4
Classification: Uncertain significance for Hereditary cancer-predisposing syndrome. Last evaluated: 2021-10-22. Review status: criteria provided, single submitter. Criteria: Sema4 Curation Guidelines. Collection method: curation. Allele origin: germline.
Comment: The SMARCA4 c.4609G>A (p.V1537M) variant has been reported in an individual with colorectal cancer (PMID 26901136). This variant was observed in 8/113478 in the Non-Finnish European population according to the large and broad cohorts of the Genome Aggregation Database (PMID: 32461654). The subpopulation frequency of this variant is higher than expected for a pathogenic variant based on disease/syndrome prevalence and penetrance. This variant has been reported in ClinVar (Variation ID 408651). Functional studies have not been performed, and in silico predictions of the variant's effect on protein function are inconclusive. The overall evidence is insufficient to meet ACMG/AMP criteria for classifying it as benign or pathogenic. In summary, the clinical significance of this variant is currently uncertain.

Genome-Nilou Lab
Classification: Uncertain significance for Intellectual disability, autosomal dominant 16. Last evaluated: 2021-07-15. Review status: criteria provided, single submitter. Criteria: ACMG Guidelines, 2015. Collection method: clinical testing. Allele origin: germline. Affected: no.

Literature cited by the submitters: PubMed 26901136 (cited by 3 submitters).